The following is an entry in ClinVar:

NM_001042492.3(NF1):c.7189+9G>A

Gene: NF1 (neurofibromin 1; plus strand). Cytogenetic location: 17q11.2.
Variant type: single nucleotide variant.
Coding change: c.7189+9G>A on transcript NM_001042492.3 (MANE Select); 9 bases into the intron after coding-DNA position 7189, G replaced by A.
Molecular consequence: intron variant.
Genome position (GRCh38, 1-based): chr17:31,343,144, G>A. VCF-style: chr17-31343144-G-A. GRCh37 (hg19) VCF-style: chr17-29670162-G-A.
Other names: c.7126+9G>A (NM_000267.4).
Identifiers: ClinVar variation 705152 (VCV000705152.10), dbSNP rs1597851538, ClinGen allele CA915949812.

ClinVar aggregate classification (germline): Conflicting classifications of pathogenicity. Review status: criteria provided, conflicting classifications (1 of 4 stars). 3 submissions from 3 submitters: Uncertain significance (1); Likely benign (2). Last evaluated 2026-01-26.

Conditions:
Neurofibromatosis, type 1 (NF1). Also called: VON RECKLINGHAUSEN DISEASE; NEUROFIBROMATOSIS, TYPE I, SOMATIC; Peripheral type neurofibromatosis; Neurofibromatosis, type I. Identifiers: Orphanet 636, MedGen C0027831, MONDO:0018975, OMIM 162200. Disease mechanism: loss of function.

Submissions (3):

Labcorp Genetics (formerly Invitae), Labcorp
Classification: Likely benign for Neurofibromatosis, type 1. Last evaluated: 2026-01-26. Review status: criteria provided, single submitter. Criteria: Invitae Variant Classification Sherloc (09022015). Collection method: clinical testing. Allele origin: germline.

Quest Diagnostics Nichols Institute San Juan Capistrano
Classification: Uncertain significance. Last evaluated: 2024-09-13. Review status: criteria provided, single submitter. Criteria: Quest Diagnostics criteria. Collection method: clinical testing. Allele origin: unknown.
Comment: The NF1 c.7126+9G>A variant has not been reported in individuals with NF1-related conditions in the published literature. It also has not been reported in large, multi-ethnic general populations (Genome Aggregation Database). Analysis of this variant using software algorithms for the prediction of the effect of nucleotide changes on splicing yielded predictions that this variant does not affect NF1 mRNA splicing. Based on the available information, we are unable to determine the clinical significance of this variant.

Blueprint Genetics
Classification: Likely benign. Last evaluated: 2023-06-05. Review status: criteria provided, single submitter. Criteria: ACMG Guidelines, 2015. Collection method: clinical testing. Allele origin: germline.